The following is an entry in ClinVar:

NM_015192.4(PLCB1):c.3590C>T (p.Thr1197Ile)

Gene: PLCB1 (phospholipase C beta 1; plus strand). Cytogenetic location: 20p12.3.
Variant type: single nucleotide variant.
Coding change: c.3590C>T on transcript NM_015192.4 (MANE Select); coding-DNA position 3590, C replaced by T.
Protein change: p.Thr1197Ile; replaces threonine 1197 with isoleucine.
Molecular consequence: missense variant. On other transcripts: 3 prime UTR variant (1).
Genome position (GRCh38, 1-based): chr20:8,881,788, C>T. VCF-style: chr20-8881788-C-T. GRCh37 (hg19) VCF-style: chr20-8862435-C-T.
Other names: c.*186C>T (NM_182734.3); short protein forms T1197I.
Identifiers: ClinVar variation 471509 (VCV000471509.14), dbSNP rs190019296, ClinGen allele CA9760656.
Genomic context (GRCh38, chr20:8,881,788, plus strand): 5'-GCAATCACGGTTCTGCCCCTCTCTCCCTGTCCTCAGACCCTGGAAAAGTGAACCACAAGA[C>T]TCCCTCCAGTGAGGAGCTGGGAGGAGACATCCCAGGAAAAGAATTTGATACTCCTCTGTG-3'
Protein context (NP_056007.1, residues 1187-1207): SSDPGKVNHK[Thr1197Ile]PSSEELGGDI

ClinVar aggregate classification (germline): Uncertain significance. Review status: criteria provided, multiple submitters, no conflicts (2 of 4 stars). 4 submissions from 4 submitters: Uncertain significance (4). Last evaluated 2025-06-24.

Conditions:
Inborn genetic diseases. Identifiers: MedGen C0950123, MeSH D030342.
Developmental and epileptic encephalopathy, 12 (DEE12). Identifiers: MedGen C3150988, MONDO:0013389, OMIM 613722.

Allele frequency attached by ClinVar (database versions not stated): gnomAD exomes 0.00001 and 0.00002; ExAC 0.00002; gnomAD 0.00007 and 0.00008; ESP Exome Variant Server 0.00008; TOPMed 0.00012; 1000 Genomes Project 30x 0.00031; 1000 Genomes Project 0.00040.
gnomAD v4.1: 24 of 1,614,126 alleles (0.0015%); highest among the groups gnomAD compares: African/African-American, 0.027%; no homozygotes.

Submissions (4):

GeneDx
Classification: Uncertain significance. Last evaluated: 2025-06-24. Review status: criteria provided, single submitter. Criteria: GeneDx Variant Classification Process June 2021. Collection method: clinical testing. Allele origin: germline. Affected: yes.
Comment: In silico analysis suggests that this missense variant does not alter protein structure/function; Has not been previously published as pathogenic or benign to our knowledge

Labcorp Genetics (formerly Invitae), Labcorp
Classification: Uncertain significance for Developmental and epileptic encephalopathy, 12. Last evaluated: 2025-06-16. Review status: criteria provided, single submitter. Criteria: Invitae Variant Classification Sherloc (09022015). Collection method: clinical testing. Allele origin: germline.
Comment: This sequence change replaces threonine, which is neutral and polar, with isoleucine, which is neutral and non-polar, at codon 1197 of the PLCB1 protein (p.Thr1197Ile). This variant is present in population databases (rs190019296, gnomAD 0.04%). This variant has not been reported in the literature in individuals affected with PLCB1-related conditions. ClinVar contains an entry for this variant (Variation ID: 471509). An algorithm developed to predict the effect of missense changes on protein structure and function (PolyPhen-2) suggests that this variant is likely to be tolerated. In summary, the available evidence is currently insufficient to determine the role of this variant in disease. Therefore, it has been classified as a Variant of Uncertain Significance.

Ambry Genetics
Classification: Uncertain significance for Inborn genetic diseases. Last evaluated: 2016-10-10. Review status: criteria provided, single submitter. Criteria: Ambry Variant Classification Scheme 2023. Collection method: clinical testing. Allele origin: germline.
Comment: The p.T1197I variant (also known as c.3590C>T), located in coding exon 32 of the PLCB1 gene, results from a C to T substitution at nucleotide position 3590. The threonine at codon 1197 is replaced by isoleucine, an amino acid with similar properties. This variant was previously reported in the SNPDatabase as rs190019296. Based on data from the 1000 Genomes Project, the T allele has an overall frequency of approximately 0% (0/2098) total alleles studied.. Based on data from the NHLBI Exome Sequencing Project (ESP), the T allele has an overall frequency of approximately 0.01% (1/13006) total alleles studied, having been observed in 0.02% (1/4406) African American alleles. This amino acid position is poorly conserved in available vertebrate species. In addition, this alteration is predicted to be tolerated by in silico analysis. Since supporting evidence is limited at this time, the clinical significance of this variant remains unclear.

Breakthrough Genomics
Classification: Uncertain significance. Review status: criteria provided, single submitter. Criteria: ACMG Guidelines, 2015. Collection method: not provided. Allele origin: germline. Inheritance: Autosomal dominant inheritance. Affected: yes.